The following is an entry in ClinVar:

ClinVar aggregate classification (germline): Conflicting classifications of pathogenicity. Review status: criteria provided, conflicting classifications (1 of 4 stars). 3 submissions from 3 submitters: Uncertain significance (1); Likely benign (2). Last evaluated 2025-12-08.

Conditions:
Palmoplantar keratoderma-esophageal carcinoma syndrome (TOC). Also called: Tylosis with Esophageal Cancer; KERATOSIS PALMARIS ET PLANTARIS WITH ESOPHAGEAL CANCER; PALMOPLANTAR KERATODERMA WITH ESOPHAGEAL CANCER. Identifiers: Orphanet 2198, MedGen C1835664, MONDO:0007856, OMIM 148500.

Allele frequency attached by ClinVar (database versions not stated): ExAC 0.00009; gnomAD 0.00010; TOPMed 0.00014; ESP Exome Variant Server 0.00023.
gnomAD v4.1: 243 of 1,612,296 alleles (0.015%); highest among the groups gnomAD compares: Admixed American, 0.025%; no homozygotes.

Submissions (3):

Labcorp Genetics (formerly Invitae), Labcorp
Classification: Uncertain significance. Last evaluated: 2025-12-08. Review status: criteria provided, single submitter. Criteria: Invitae Variant Classification Sherloc (09022015). Collection method: clinical testing. Allele origin: germline.
Comment: This sequence change replaces arginine, which is basic and polar, with cysteine, which is neutral and slightly polar, at codon 384 of the RHBDF2 protein (p.Arg384Cys). This variant is present in population databases (rs371993070, gnomAD 0.03%), and has an allele count higher than expected for a pathogenic variant. This variant has not been reported in the literature in individuals affected with RHBDF2-related conditions. ClinVar contains an entry for this variant (Variation ID: 2046797). An algorithm developed to predict the effect of missense changes on protein structure and function (PolyPhen-2) suggests that this variant is likely to be disruptive. In summary, the available evidence is currently insufficient to determine the role of this variant in disease. Therefore, it has been classified as a Variant of Uncertain Significance.

Blueprint Genetics
Classification: Likely benign. Last evaluated: 2024-10-24. Review status: criteria provided, single submitter. Criteria: ACMG Guidelines, 2015. Collection method: clinical testing. Allele origin: germline.

Baylor Genetics
Classification: Likely benign for Palmoplantar keratoderma-esophageal carcinoma syndrome. Last evaluated: 2022-07-24. Review status: criteria provided, single submitter. Criteria: ACMG Guidelines, 2015. Collection method: clinical testing. Allele origin: unknown.

NM_001005498.4(RHBDF2):c.1063C>T (p.Arg355Cys)

Gene: RHBDF2 (rhomboid 5 homolog 2; minus strand). Cytogenetic location: 17q25.1.
Variant type: single nucleotide variant.
Coding change: c.1063C>T on transcript NM_001005498.4 (MANE Select); coding-DNA position 1063, C replaced by T.
Protein change: p.Arg355Cys; replaces arginine 355 with cysteine.
Molecular consequence: missense variant. On other transcripts: non-coding transcript variant (3).
Genome position (GRCh38, 1-based): chr17:76,476,882, G>A on the plus strand (C>T on the coding strand, the complement: RHBDF2 is on the minus strand). VCF-style: chr17-76476882-G-A. GRCh37 (hg19) VCF-style: chr17-74472964-G-A.
Other names: c.1063C>T, p.Arg355Cys (NM_001376228.1, NM_001376229.1, NM_001376230.1); c.1150C>T, p.Arg384Cys (NM_024599.5); short protein forms R355C, R384C.
Identifiers: ClinVar variation 2046797 (VCV002046797.6), dbSNP rs371993070, ClinGen allele CA8787135.